The following is an entry in ClinVar:

ClinVar aggregate classification (germline): Uncertain significance (1 of 4 stars; one submission).

Allele frequency attached by ClinVar (database versions not stated): gnomAD 0.00003; ExAC 0.00005; gnomAD exomes 0.00001; TOPMed 0.00001.

Submission:

Labcorp Genetics (formerly Invitae), Labcorp
Classification: Uncertain significance. Last evaluated: 2025-08-12. Review status: criteria provided, single submitter. Criteria: Invitae Variant Classification Sherloc (09022015). Collection method: clinical testing. Allele origin: germline.
Comment: This sequence change replaces arginine, which is basic and polar, with glutamine, which is neutral and polar, at codon 513 of the EMC1 protein (p.Arg513Gln). This variant is present in population databases (rs769971936, gnomAD 0.02%). This variant has not been reported in the literature in individuals affected with EMC1-related conditions. ClinVar contains an entry for this variant (Variation ID: 2978161). An algorithm developed to predict the effect of missense changes on protein structure and function (PolyPhen-2) suggests that this variant is likely to be disruptive. In summary, the available evidence is currently insufficient to determine the role of this variant in disease. Therefore, it has been classified as a Variant of Uncertain Significance.

NM_015047.3(EMC1):c.1538G>A (p.Arg513Gln)

Genes: EMC1 (ER membrane protein complex subunit 1; minus strand), EMC1-AS1 (EMC1 antisense RNA 1; plus strand). Cytogenetic location: 1p36.13.
Variant type: single nucleotide variant.
Coding change: c.1538G>A on transcript NM_015047.3 (MANE Select); coding-DNA position 1538, G replaced by A.
Protein change: p.Arg513Gln; replaces arginine 513 with glutamine.
Molecular consequence: missense variant.
Genome position (GRCh38, 1-based): chr1:19,233,030, C>T on the plus strand (G>A on the coding strand, the complement: EMC1 is on the minus strand). VCF-style: chr1-19233030-C-T. GRCh37 (hg19) VCF-style: chr1-19559524-C-T.
Other names: c.1535G>A, p.Arg512Gln (NM_001271427.2, NM_001271428.2); c.1472G>A, p.Arg491Gln (NM_001271429.2); c.1547G>A, p.Arg516Gln (NM_001375820.1); c.1544G>A, p.Arg515Gln (NM_001375821.1); short protein forms R491Q, R516Q, R512Q, R513Q, R515Q.
Identifiers: ClinVar variation 2978161 (VCV002978161.3), dbSNP rs769971936, ClinGen allele CA652555.